The following is an entry in ClinVar:

NM_006306.4(SMC1A):c.1696G>A (p.Glu566Lys)

Gene: SMC1A (structural maintenance of chromosomes 1A; minus strand). Cytogenetic location: Xp11.22.
Variant type: single nucleotide variant.
Coding change: c.1696G>A on transcript NM_006306.4 (MANE Select); coding-DNA position 1696, G replaced by A.
Protein change: p.Glu566Lys; replaces glutamic acid 566 with lysine.
Molecular consequence: missense variant.
Genome position (GRCh38, 1-based): chrX:53,405,806, C>T on the plus strand (G>A on the coding strand, the complement: SMC1A is on the minus strand). VCF-style: chrX-53405806-C-T. GRCh37 (hg19) VCF-style: chrX-53432738-C-T.
Other names: c.1630G>A, p.Glu544Lys (NM_001281463.1); short protein forms E544K, E566K.
Identifiers: ClinVar variation 1380631 (VCV001380631.8), dbSNP rs2146600005, ClinGen allele CA413253527.

ClinVar aggregate classification (germline): Uncertain significance (1 of 4 stars; one submission).

Conditions:
Congenital muscular hypertrophy-cerebral syndrome (CDLS2). Also called: SMC1A-Related Cornelia de Lange Syndrome; Cornelia de Lange syndrome 2. Identifiers: Orphanet 199, MedGen C1802395, MONDO:0010370, OMIM 300590.

Submission:

Labcorp Genetics (formerly Invitae), Labcorp
Classification: Uncertain significance for Congenital muscular hypertrophy-cerebral syndrome. Last evaluated: 2021-03-23. Review status: criteria provided, single submitter. Criteria: Invitae Variant Classification Sherloc (09022015). Collection method: clinical testing. Allele origin: germline.
Comment: In summary, the available evidence is currently insufficient to determine the role of this variant in disease. Therefore, it has been classified as a Variant of Uncertain Significance. Advanced modeling of protein sequence and biophysical properties (such as structural, functional, and spatial information, amino acid conservation, physicochemical variation, residue mobility, and thermodynamic stability) performed at Invitae indicates that this missense variant is expected to disrupt SMC1A protein function. This variant has not been reported in the literature in individuals with SMC1A-related conditions. This variant is not present in population databases (ExAC no frequency). This sequence change replaces glutamic acid with lysine at codon 566 of the SMC1A protein (p.Glu566Lys). The glutamic acid residue is moderately conserved and there is a small physicochemical difference between glutamic acid and lysine.